The following is an entry in ClinVar:

ClinVar aggregate classification (germline): Pathogenic (1 of 4 stars; one submission).

Conditions:
Usher syndrome type 1C. Also called: USHER SYNDROME, TYPE I, ACADIAN VARIETY. Identifiers: Orphanet 231169, Orphanet 886, MedGen C1848604, MONDO:0010171, OMIM 276904.

gnomAD v4.1: 1 of 1,614,124 alleles (0.000062%); highest among the groups gnomAD compares: Admixed American, 0.0017%; no homozygotes.

Submission:

Myriad Genetics, Inc.
Classification: Pathogenic for Usher syndrome type 1C. Last evaluated: 2023-11-04. Review status: criteria provided, single submitter. Criteria: Myriad Autosomal Dominant, Autosomal Recessive and X-Linked Classification Criteria (2023). Collection method: clinical testing. Allele origin: unknown.
Comment: NM_005709.3(USH1C):c.1133G>A(W378*) is expected to be pathogenic in the context of USH1C-related disorders. This variant is predicted to lead to an abnormal or absent protein product due to the creation of a premature termination codon in USH1C, a gene where loss-of-function variants are known to be pathogenic. Please note: this variant was assessed in the context of healthy population screening.

NM_153676.4(USH1C):c.1133G>A (p.Trp378Ter)

Gene: USH1C (USH1 protein network component harmonin; minus strand). Cytogenetic location: 11p15.1.
Variant type: single nucleotide variant.
Coding change: c.1133G>A on transcript NM_153676.4 (MANE Select); coding-DNA position 1133, G replaced by A.
Protein change: p.Trp378Ter; replaces tryptophan 378 with a stop codon.
Molecular consequence: nonsense. On other transcripts: non-coding transcript variant (1).
Genome position (GRCh38, 1-based): chr11:17,520,947, C>T on the plus strand (G>A on the coding strand, the complement: USH1C is on the minus strand). VCF-style: chr11-17520947-C-T. GRCh37 (hg19) VCF-style: chr11-17542494-C-T.
Other names: c.1076G>A, p.Trp359Ter (NM_001297764.2); c.1166G>A, p.Trp389Ter (NM_001440679.1, NM_001440684.1); c.1133G>A, p.Trp378Ter (NM_001440680.1, NM_001440681.1, NM_001440682.1 and 4 more transcripts); c.1109G>A, p.Trp370Ter (NM_001440686.1); short protein forms W359*, W370*, W378*, W389*.
Identifiers: ClinVar variation 5012458 (VCV005012458.1).
Genomic context (GRCh38, chr11:17,520,947, plus strand): 5'-GGTACTGGGTGTACCTCAGCAGTGATGGTTTTAGGCAAGAGTAGCTGTTCCTTTGAGCCC[C>T]AGTCTTCTTCCCATTGCTTCTTAAACTTCTCTTCCTCCTCTACAATCCTAAAATGAGACC-3'